The following is an entry in ClinVar:

NM_172364.5(CACNA2D4):c.2650G>A (p.Glu884Lys)

Gene: CACNA2D4 (calcium voltage-gated channel auxiliary subunit alpha2delta 4; minus strand). Cytogenetic location: 12p13.33.
Variant type: single nucleotide variant.
Coding change: c.2650G>A on transcript NM_172364.5 (MANE Select); coding-DNA position 2650, G replaced by A.
Protein change: p.Glu884Lys; replaces glutamic acid 884 with lysine.
Molecular consequence: missense variant.
Genome position (GRCh38, 1-based): chr12:1,810,551, C>T on the plus strand (G>A on the coding strand, the complement: CACNA2D4 is on the minus strand). VCF-style: chr12-1810551-C-T. GRCh37 (hg19) VCF-style: chr12-1919717-C-T.
Other names: c.2650G>A (NM_172364.4); short protein forms E884K.
Identifiers: ClinVar variation 1003834 (VCV001003834.8), dbSNP rs368718572, ClinGen allele CA6386277.

ClinVar aggregate classification (germline): Uncertain significance. Review status: criteria provided, multiple submitters, no conflicts (2 of 4 stars). 2 submissions from 2 submitters: Uncertain significance (2). Last evaluated 2025-08-22.

Conditions:
Inborn genetic diseases. Identifiers: MedGen C0950123, MeSH D030342.

Allele frequency attached by ClinVar (database versions not stated): gnomAD exomes 0.00001 and 0.00002; TOPMed 0.00003; gnomAD 0.00004; ExAC 0.00005; ESP Exome Variant Server 0.00008; 1000 Genomes Project 0.00020; 1000 Genomes Project 30x 0.00031.
gnomAD v4.1: 14 of 1,553,568 alleles (0.0009%); highest among the groups gnomAD compares: East Asian, 0.0098%; no homozygotes.

Submissions (2):

Ambry Genetics
Classification: Uncertain significance for Inborn genetic diseases. Last evaluated: 2025-08-22. Review status: criteria provided, single submitter. Criteria: Ambry Variant Classification Scheme 2023. Collection method: clinical testing. Allele origin: germline.

Labcorp Genetics (formerly Invitae), Labcorp
Classification: Uncertain significance. Last evaluated: 2024-08-21. Review status: criteria provided, single submitter. Criteria: Invitae Variant Classification Sherloc (09022015). Collection method: clinical testing. Allele origin: germline.
Comment: This sequence change replaces glutamic acid, which is acidic and polar, with lysine, which is basic and polar, at codon 884 of the CACNA2D4 protein (p.Glu884Lys). This variant is present in population databases (rs368718572, gnomAD 0.02%). This variant has not been reported in the literature in individuals affected with CACNA2D4-related conditions. ClinVar contains an entry for this variant (Variation ID: 1003834). An algorithm developed to predict the effect of missense changes on protein structure and function outputs the following: PolyPhen-2: "Benign". The lysine amino acid residue is found in multiple mammalian species, which suggests that this missense change does not adversely affect protein function. In summary, the available evidence is currently insufficient to determine the role of this variant in disease. Therefore, it has been classified as a Variant of Uncertain Significance.